The following is an entry in ClinVar:

NM_201596.3(CACNB2):c.1665T>G (p.Phe555Leu)

Gene: CACNB2 (calcium voltage-gated channel auxiliary subunit beta 2; plus strand). Cytogenetic location: 10p12.31.
Variant type: single nucleotide variant.
Coding change: c.1665T>G on transcript NM_201596.3 (MANE Select); coding-DNA position 1665, T replaced by G.
Protein change: p.Phe555Leu; replaces phenylalanine 555 with leucine.
Molecular consequence: missense variant.
Genome position (GRCh38, 1-based): chr10:18,539,406, T>G. VCF-style: chr10-18539406-T-G. GRCh37 (hg19) VCF-style: chr10-18828335-T-G.
Other names: c.1500T>G, p.Phe500Leu (NM_000724.4); c.1467T>G, p.Phe489Leu (NM_001167945.2); c.1386T>G, p.Phe462Leu (NM_001330060.2); c.1521T>G, p.Phe507Leu (NM_201570.3); c.1581T>G, p.Phe527Leu (NM_201571.4); c.1509T>G, p.Phe503Leu (NM_201572.4); c.1503T>G, p.Phe501Leu (NM_201590.3); c.1551T>G, p.Phe517Leu (NM_201593.3); and 1 more; short protein forms F501L, F555L, F503L, F507L, F517L, F527L, F462L, F489L.
Identifiers: ClinVar variation 242262 (VCV000242262.10), dbSNP rs878855311, ClinGen allele CA10582712.
Genomic context (GRCh38, chr10:18,539,406, plus strand): 5'-AGCCCCACACCACAACCATCGCAGTGGGACAAGTCGCGGCCTCTCCAGGCAAGAGACATT[T>G]GACTCGGAAACCCAGGAGAGTCGAGACTCTGCCTACGTAGAGCCAAAGGAAGATTATTCC-3'
Protein context (NP_963890.2, residues 545-565): TSRGLSRQET[Phe555Leu]DSETQESRDS

ClinVar aggregate classification (germline): Uncertain significance (1 of 4 stars; one submission).

Conditions:
Brugada syndrome 4 (BRGDA4). Identifiers: Orphanet 130, MedGen C2678477, MONDO:0012743, OMIM 611876.

Submission:

Labcorp Genetics (formerly Invitae), Labcorp
Classification: Uncertain significance for Brugada syndrome 4. Last evaluated: 2022-03-03. Review status: criteria provided, single submitter. Criteria: Invitae Variant Classification Sherloc (09022015). Collection method: clinical testing. Allele origin: germline.
Comment: Algorithms developed to predict the effect of missense changes on protein structure and function output the following: SIFT: "Tolerated"; PolyPhen-2: "Benign"; Align-GVGD: "Class C0". The leucine amino acid residue is found in multiple mammalian species, which suggests that this missense change does not adversely affect protein function. ClinVar contains an entry for this variant (Variation ID: 242262). This variant has not been reported in the literature in individuals affected with CACNB2-related conditions. This variant is not present in population databases (gnomAD no frequency). This sequence change replaces phenylalanine, which is neutral and non-polar, with leucine, which is neutral and non-polar, at codon 501 of the CACNB2 protein (p.Phe501Leu). In summary, the available evidence is currently insufficient to determine the role of this variant in disease. Therefore, it has been classified as a Variant of Uncertain Significance.